The following is an entry in ClinVar:

NM_005235.3(ERBB4):c.3293C>A (p.Thr1098Asn)

Gene: ERBB4 (erb-b2 receptor tyrosine kinase 4; minus strand). Cytogenetic location: 2q34.
Variant type: single nucleotide variant.
Coding change: c.3293C>A on transcript NM_005235.3 (MANE Select); coding-DNA position 3293, C replaced by A.
Protein change: p.Thr1098Asn; replaces threonine 1098 with asparagine.
Molecular consequence: missense variant.
Genome position (GRCh38, 1-based): chr2:211,387,041, G>T on the plus strand (C>A on the coding strand, the complement: ERBB4 is on the minus strand). VCF-style: chr2-211387041-G-T. GRCh37 (hg19) VCF-style: chr2-212251766-G-T.
Other names: c.3245C>A, p.Thr1082Asn (NM_001042599.2); c.3263C>A, p.Thr1088Asn (NM_001439005.1); c.3215C>A, p.Thr1072Asn (NM_001439006.1); short protein forms T1072N, T1088N, T1098N, T1082N.
Identifiers: ClinVar variation 4618671 (VCV004618671.2).

ClinVar aggregate classification (germline): Uncertain significance. Review status: criteria provided, multiple submitters, no conflicts (2 of 4 stars). 2 submissions from 2 submitters: Uncertain significance (2). Last evaluated 2025-10-17.

Conditions:
ERBB4-related disorder. Also called: ERBB4-related condition.
Inborn genetic diseases. Identifiers: MedGen C0950123, MeSH D030342.

Submissions (2):

Ambry Genetics
Classification: Uncertain significance for Inborn genetic diseases. Last evaluated: 2025-10-17. Review status: criteria provided, single submitter. Criteria: Ambry Variant Classification Scheme 2023. Collection method: clinical testing. Allele origin: germline.

PreventionGenetics, part of Exact Sciences
Classification: Uncertain significance for ERBB4-related condition. Last evaluated: 2024-11-09. Review status: criteria provided, single submitter. Criteria: ACMG Guidelines, 2015. Collection method: clinical testing. Allele origin: germline.
Comment: The ERBB4 c.3293C>A variant is predicted to result in the amino acid substitution p.Thr1098Asn. To our knowledge, this variant has not been reported in the literature or in a large population database (gnomAD), indicating this variant is rare. At this time, the clinical significance of this variant is uncertain due to the absence of conclusive functional and genetic evidence.